The following is an entry in ClinVar:

ClinVar aggregate classification (germline): Uncertain significance (1 of 4 stars; one submission).

Submission:

Labcorp Genetics (formerly Invitae), Labcorp
Classification: Uncertain significance. Last evaluated: 2021-11-23. Review status: criteria provided, single submitter. Criteria: Invitae Variant Classification Sherloc (09022015). Collection method: clinical testing. Allele origin: germline.
Comment: In summary, the available evidence is currently insufficient to determine the role of this variant in disease. Therefore, it has been classified as a Variant of Uncertain Significance. Advanced modeling of protein sequence and biophysical properties (such as structural, functional, and spatial information, amino acid conservation, physicochemical variation, residue mobility, and thermodynamic stability) performed at Invitae indicates that this missense variant is not expected to disrupt COL2A1 protein function. This variant has not been reported in the literature in individuals affected with COL2A1-related conditions. This variant is present in population databases (rs763903953, gnomAD 0.002%). This sequence change replaces proline, which is neutral and non-polar, with arginine, which is basic and polar, at codon 100 of the COL2A1 protein (p.Pro100Arg).

NM_001844.5(COL2A1):c.299C>G (p.Pro100Arg)

Gene: COL2A1 (collagen type II alpha 1 chain; minus strand). Cytogenetic location: 12q13.11.
Variant type: single nucleotide variant.
Coding change: c.299C>G on transcript NM_001844.5 (MANE Select); coding-DNA position 299, C replaced by G.
Protein change: p.Pro100Arg; replaces proline 100 with arginine.
Molecular consequence: missense variant.
Genome position (GRCh38, 1-based): chr12:47,998,425, G>C on the plus strand (C>G on the coding strand, the complement: COL2A1 is on the minus strand). VCF-style: chr12-47998425-G-C. GRCh37 (hg19) VCF-style: chr12-48392208-G-C.
Other names: c.92C>G, p.Pro31Arg (NM_033150.3); short protein forms P100R, P31R.
Identifiers: ClinVar variation 1347195 (VCV001347195.6), dbSNP rs763903953, ClinGen allele CA6536051.
Genomic context (GRCh38, chr12:47,998,425, plus strand): 5'-AAATATAAAGCCAAAAAAATATGAAAAAAGAAAAAGAAGAAAGCCCTTACCTTTGGTCCT[G>C]GTTGCCCTGCAAGGGAAAAAATATAGAGAAGAAGAAGGTAAGAATCTTGAGATGGAAAAA-3'
Protein context (NP_001835.3, residues 90-110): PTDLATASGQ[Pro100Arg]GPKGQKGEPG